The following is an entry in ClinVar:

ClinVar aggregate classification (germline): Benign/Likely benign. Review status: criteria provided, multiple submitters, no conflicts (2 of 4 stars). 3 submissions from 3 submitters: Benign (1); Likely benign (1). 1 of the submissions does not count toward it. Last evaluated 2025-10-23.

Conditions:
RAI1-related disorder. Also called: RAI1-related condition.
Inborn genetic diseases. Identifiers: MedGen C0950123, MeSH D030342.

Allele frequency attached by ClinVar (database versions not stated): gnomAD 0.00001 and 0.00002; gnomAD exomes 0.00001; ExAC 0.00002; TOPMed 0.00003.
gnomAD v4.1: 41 of 1,613,694 alleles (0.0025%); highest among the groups gnomAD compares: African/African-American, 0.0053%; no homozygotes.

Submissions (3):

Labcorp Genetics (formerly Invitae), Labcorp
Classification: Benign. Last evaluated: 2025-10-23. Review status: criteria provided, single submitter. Criteria: Invitae Variant Classification Sherloc (09022015). Collection method: clinical testing. Allele origin: germline.

Ambry Genetics
Classification: Likely benign for Inborn genetic diseases. Last evaluated: 2022-09-26. Review status: criteria provided, single submitter. Criteria: Ambry Variant Classification Scheme 2023. Collection method: clinical testing. Allele origin: germline.

PreventionGenetics, part of Exact Sciences
Classification: Likely benign for RAI1-related condition. Last evaluated: 2023-09-25. Review status: no assertion criteria provided. Collection method: clinical testing. Allele origin: germline. Not counted in ClinVar's aggregate classification.
Comment: This variant is classified as likely benign based on ACMG/AMP sequence variant interpretation guidelines (Richards et al. 2015 PMID: 25741868, with internal and published modifications).

NM_030665.4(RAI1):c.1048G>A (p.Val350Met)

Gene: RAI1 (retinoic acid induced 1; plus strand). Cytogenetic location: 17p11.2.
Variant type: single nucleotide variant.
Coding change: c.1048G>A on transcript NM_030665.4 (MANE Select); coding-DNA position 1048, G replaced by A.
Protein change: p.Val350Met; replaces valine 350 with methionine.
Molecular consequence: missense variant.
Genome position (GRCh38, 1-based): chr17:17,793,996, G>A. VCF-style: chr17-17793996-G-A. GRCh37 (hg19) VCF-style: chr17-17697310-G-A.
Other names: c.1048G>A (NM_030665.3); short protein forms V350M.
Identifiers: ClinVar variation 1498485 (VCV001498485.9), dbSNP rs746652874, ClinGen allele CA8418259.